The following is an entry in ClinVar:

NM_003922.4(HERC1):c.10600C>T (p.Pro3534Ser)

Gene: HERC1 (HECT and RLD domain containing E3 ubiquitin protein ligase family member 1; minus strand). Cytogenetic location: 15q22.31.
Variant type: single nucleotide variant.
Coding change: c.10600C>T on transcript NM_003922.4 (MANE Select); coding-DNA position 10600, C replaced by T.
Protein change: p.Pro3534Ser; replaces proline 3534 with serine.
Molecular consequence: missense variant.
Genome position (GRCh38, 1-based): chr15:63,649,872, G>A on the plus strand (C>T on the coding strand, the complement: HERC1 is on the minus strand). VCF-style: chr15-63649872-G-A. GRCh37 (hg19) VCF-style: chr15-63942071-G-A.
Other names: short protein forms P3534S.
Identifiers: ClinVar variation 1318960 (VCV001318960.11), dbSNP rs1016155797, ClinGen allele CA272105226.

ClinVar aggregate classification (germline): Uncertain significance. Review status: criteria provided, multiple submitters, no conflicts (2 of 4 stars). 2 submissions from 2 submitters: Uncertain significance (2). Last evaluated 2025-06-26.

Allele frequency attached by ClinVar (database versions not stated): gnomAD exomes 0.00001 and 0.00005; gnomAD 0.00004; TOPMed 0.00004.
gnomAD v4.1: 83 of 1,612,250 alleles (0.0051%); highest among the groups gnomAD compares: Non-Finnish European, 0.0068%; no homozygotes.

Submissions (2):

GeneDx
Classification: Uncertain significance. Last evaluated: 2025-06-26. Review status: criteria provided, single submitter. Criteria: GeneDx Variant Classification Process June 2021. Collection method: clinical testing. Allele origin: germline. Affected: yes.
Comment: Not observed at significant frequency in large population cohorts (gnomAD); In silico analysis supports that this missense variant has a deleterious effect on protein structure/function; Has not been previously published as pathogenic or benign to our knowledge

Labcorp Genetics (formerly Invitae), Labcorp
Classification: Uncertain significance. Last evaluated: 2023-11-27. Review status: criteria provided, single submitter. Criteria: Invitae Variant Classification Sherloc (09022015). Collection method: clinical testing. Allele origin: germline.
Comment: This sequence change replaces proline, which is neutral and non-polar, with serine, which is neutral and polar, at codon 3534 of the HERC1 protein (p.Pro3534Ser). This variant is present in population databases (no rsID available, gnomAD 0.002%). This variant has not been reported in the literature in individuals affected with HERC1-related conditions. ClinVar contains an entry for this variant (Variation ID: 1318960). Advanced modeling of protein sequence and biophysical properties (such as structural, functional, and spatial information, amino acid conservation, physicochemical variation, residue mobility, and thermodynamic stability) performed at Invitae indicates that this missense variant is not expected to disrupt HERC1 protein function with a negative predictive value of 80%. In summary, the available evidence is currently insufficient to determine the role of this variant in disease. Therefore, it has been classified as a Variant of Uncertain Significance.